The following is an entry in ClinVar:

NM_206933.4(USH2A):c.14289del (p.Ile4764fs)

Gene: USH2A (usherin; minus strand). Cytogenetic location: 1q41.
Variant type: Deletion.
Coding change: c.14289del on transcript NM_206933.4 (MANE Select); coding-DNA position 14289, one base deleted (G; older notation c.14289delG).
Protein change: p.Ile4764fs; shifts the reading frame from isoleucine 4764.
Molecular consequence: frameshift variant.
Genome position (GRCh38, 1-based): chr1:215,650,646, C deleted on the plus strand (G on the coding strand, the reverse complement: USH2A is on the minus strand); the first of 3 consecutive C bases (chr1:215,650,646-215,650,648); deleting any one gives the same sequence. VCF-style (leftmost placement, unchanged base first): chr1-215650645-TC-T. GRCh37 (hg19) VCF-style: chr1-215823987-TC-T.
Other names: short protein forms I4764fs.
Identifiers: ClinVar variation 1284356 (VCV001284356.8), dbSNP rs2102644832, ClinGen allele CA2499214439.

ClinVar aggregate classification (germline): Pathogenic/Likely pathogenic. Review status: criteria provided, multiple submitters, no conflicts (2 of 4 stars). 4 submissions from 4 submitters: Pathogenic (1); Likely pathogenic (1). 2 of the submissions do not count toward it. Last evaluated 2024-04-03.

Conditions:
Retinitis pigmentosa 39 (RP39). Identifiers: Orphanet 791, MedGen C3151138, MONDO:0013436, OMIM 613809.
Usher syndrome type 2A. Also called: RETINAL DISEASE IN USHER SYNDROME TYPE IIA, MODIFIER OF; USHER SYNDROME, TYPE IIA. Identifiers: Orphanet 231178, Orphanet 886, MedGen C1848634, MONDO:0010169, OMIM 276901.

Submissions (4):

Fulgent Genetics
Classification: Likely pathogenic for Usher syndrome type 2A; Retinitis pigmentosa 39. Last evaluated: 2024-04-03. Review status: criteria provided, single submitter. Criteria: ACMG Guidelines, 2015. Collection method: clinical testing. Allele origin: germline.

Labcorp Genetics (formerly Invitae), Labcorp
Classification: Pathogenic. Last evaluated: 2024-02-22. Review status: criteria provided, single submitter. Criteria: Invitae Variant Classification Sherloc (09022015). Collection method: clinical testing. Allele origin: germline.
Comment: This sequence change creates a premature translational stop signal (p.Ile4764Serfs*42) in the USH2A gene. It is expected to result in an absent or disrupted protein product. Loss-of-function variants in USH2A are known to be pathogenic (PMID: 10729113, 10909849, 20507924, 25649381). This variant is not present in population databases (gnomAD no frequency). This premature translational stop signal has been observed in individual(s) with Usher syndrome (PMID: 26927203). ClinVar contains an entry for this variant (Variation ID: 1284356). For these reasons, this variant has been classified as Pathogenic.

Clinical Genetics, Academic Medical Center
Classification: Pathogenic. Review status: no assertion criteria provided. Collection method: clinical testing. Allele origin: germline. Affected: yes. Study: VKGL Data-share Consensus. Not counted in ClinVar's aggregate classification.

Joint Genome Diagnostic Labs from Nijmegen and Maastricht, Radboudumc and MUMC+
Classification: Pathogenic. Review status: no assertion criteria provided. Collection method: clinical testing. Allele origin: germline. Affected: yes. Study: VKGL Data-share Consensus. Not counted in ClinVar's aggregate classification.

Literature cited by the submitters: PubMed 10729113 (cited by Labcorp Genetics (formerly Invitae), Labcorp); PubMed 10909849 (cited by Labcorp Genetics (formerly Invitae), Labcorp); PubMed 20507924 (cited by Labcorp Genetics (formerly Invitae), Labcorp); PubMed 25649381 (cited by Labcorp Genetics (formerly Invitae), Labcorp); PubMed 26927203 (cited by Labcorp Genetics (formerly Invitae), Labcorp).